The following is an entry in ClinVar:

ClinVar aggregate classification (germline): Uncertain significance (1 of 4 stars; one submission).

Submission:

Labcorp Genetics (formerly Invitae), Labcorp
Classification: Uncertain significance. Last evaluated: 2024-03-17. Review status: criteria provided, single submitter. Criteria: Invitae Variant Classification Sherloc (09022015). Collection method: clinical testing. Allele origin: germline.
Comment: This sequence change replaces arginine, which is basic and polar, with serine, which is neutral and polar, at codon 58 of the KIAA0753 protein (p.Arg58Ser). This variant is not present in population databases (gnomAD no frequency). This variant has not been reported in the literature in individuals affected with KIAA0753-related conditions. An algorithm developed to predict the effect of missense changes on protein structure and function (PolyPhen-2) suggests that this variant is likely to be tolerated. In summary, the available evidence is currently insufficient to determine the role of this variant in disease. Therefore, it has been classified as a Variant of Uncertain Significance.

NM_014804.3(KIAA0753):c.174A>T (p.Arg58Ser)

Gene: KIAA0753 (KIAA0753; minus strand). Cytogenetic location: 17p13.1.
Variant type: single nucleotide variant.
Coding change: c.174A>T on transcript NM_014804.3 (MANE Select); coding-DNA position 174, A replaced by T.
Protein change: p.Arg58Ser; replaces arginine 58 with serine.
Molecular consequence: missense variant. On other transcripts: 5 prime UTR variant (1), non-coding transcript variant (3).
Genome position (GRCh38, 1-based): chr17:6,628,661, T>A on the plus strand (A>T on the coding strand, the complement: KIAA0753 is on the minus strand). VCF-style: chr17-6628661-T-A. GRCh37 (hg19) VCF-style: chr17-6531981-T-A.
Other names: c.-1061A>T (NM_001351225.2); short protein forms R58S.
Identifiers: ClinVar variation 3687441 (VCV003687441.2).